The following is an entry in ClinVar:

ClinVar aggregate classification (germline): Uncertain significance (1 of 4 stars; one submission).

Conditions:
Dilated cardiomyopathy 1R (CMD1R). Identifiers: Orphanet 154, Orphanet 54260, MedGen C3150681, MONDO:0013261, OMIM 613424.

Submission:

Victorian Clinical Genetics Services, Murdoch Childrens Research Institute
Classification: Uncertain significance for Dilated cardiomyopathy 1R. Last evaluated: 2020-10-19. Review status: criteria provided, single submitter. Criteria: ACMG Guidelines, 2015. Collection method: clinical testing. Allele origin: germline. Inheritance: Autosomal dominant inheritance.
Comment: Based on the classification scheme VCGS_Germline_v1.3.3, this variant is classified as 3A-VUS. Following criteria are met: 0105 - The mechanism of disease for this gene is not clearly established. Missense variants have been described with both loss and gain of function properties (PMID: 29719515). However, the exact mechanism for these and protein truncating variants remains unclear. (I) 0107 - This gene is associated with autosomal dominant disease. (I) 0200 - Variant is predicted to result in a missense amino acid change from glycine to aspartic acid. (I) 0251 - This variant is heterozygous. (I) 0301 - Variant is absent from gnomAD (both v2 and v3). (SP) 0502 - Missense variant with conflicting in silico predictions and uninformative conservation. (I) 0603 - Missense variant in a region that is highly intolerant to missense variation (high constraint region in DECIPHER). (SP) 0705 - No comparable missense variants have previous evidence for pathogenicity. (I) 0807 - This variant has no previous evidence of pathogenicity. (I) 0905 - No published segregation evidence has been identified for this variant. (I) 1007 - No published functional evidence has been identified for this variant. (I) 1208 - Inheritance information for this variant is not currently available in this individual. (I) Legend: (SP) - Supporting pathogenic, (I) - Information, (SB) - Supporting benign

Literature cited by the submitters: PubMed 29719515.

NM_005159.5(ACTC1):c.509G>A (p.Gly170Asp)

Genes: GJD2-DT (GJD2 divergent transcript; plus strand), ACTC1 (actin alpha cardiac muscle 1; minus strand). Cytogenetic location: 15q14.
Variant type: single nucleotide variant.
Coding change: c.509G>A on transcript NM_005159.5 (MANE Select); coding-DNA position 509, G replaced by A.
Protein change: p.Gly170Asp; replaces glycine 170 with aspartic acid.
Molecular consequence: missense variant.
Genome position (GRCh38, 1-based): chr15:34,792,515, C>T on the plus strand (G>A on the coding strand, the complement: ACTC1 is on the minus strand). VCF-style: chr15-34792515-C-T. GRCh37 (hg19) VCF-style: chr15-35084716-C-T.
Other names: c.509G>A, p.Gly170Asp (NM_001406482.1, NM_001406483.1); c.374G>A, p.Gly125Asp (NM_001406484.1); c.68G>A, p.Gly23Asp (NM_001406485.1); short protein forms G125D, G170D, G23D.
Identifiers: ClinVar variation 1806247 (VCV001806247.1), dbSNP rs2504181106, ClinGen allele CA391631073.
Genomic context (GRCh38, chr15:34,792,515, plus strand): 5'-TAGTCAGTGAGGTCCCGACCAGCCAGATCCAGACGCATGATGGCATGGGGCAAAGCGTAG[C>T]CCTCATAGATGGGGACATTGTGAGTTACACCATCCCCAGAGTCCAGAACAATGCCTGCCC-3'
Protein context (NP_005150.1, residues 160-180): GVTHNVPIYE[Gly170Asp]YALPHAIMRL